The following is an entry in ClinVar:

NM_138295.5(PKD1L1):c.7827+7G>A

Genes: PKD1L1 (polycystin 1 like 1, transient receptor potential channel interacting; minus strand), PKD1L1-AS1 (PKD1L1 antisense RNA 1; plus strand). Cytogenetic location: 7p12.3.
Variant type: single nucleotide variant.
Coding change: c.7827+7G>A on transcript NM_138295.5 (MANE Select); 7 bases into the intron after coding-DNA position 7827, G replaced by A.
Molecular consequence: intron variant.
Genome position (GRCh38, 1-based): chr7:47,808,240, C>T on the plus strand (G>A on the coding strand, the complement: PKD1L1 is on the minus strand). VCF-style: chr7-47808240-C-T. GRCh37 (hg19) VCF-style: chr7-47847838-C-T.
Identifiers: ClinVar variation 4978507 (VCV004978507.1).

ClinVar aggregate classification (germline): Likely benign (1 of 4 stars; one submission).

Conditions:
PKD1L1-related disorder. Also called: PKD1L1-related condition.

gnomAD v4.1: 43 of 1,613,894 alleles (0.0027%); highest among the groups gnomAD compares: African/African-American, 0.025%; no homozygotes.

Submission:

PreventionGenetics, part of Exact Sciences
Classification: Likely benign for PKD1L1-related condition. Last evaluated: 2025-02-19. Review status: criteria provided, single submitter. Criteria: ACMG Guidelines, 2015. Collection method: clinical testing. Allele origin: germline.
Comment: This variant is classified as likely benign based on ACMG/AMP sequence variant interpretation guidelines (Richards et al. 2015 PMID: 25741868, with internal and published modifications).